The following is an entry in ClinVar:

ClinVar aggregate classification (germline): Benign/Likely benign. Review status: criteria provided, multiple submitters, no conflicts (2 of 4 stars). 6 submissions from 6 submitters: Benign (1); Likely benign (5). Last evaluated 2025-10-02.

Conditions:
Cardiovascular phenotype. Identifiers: MedGen CN230736.
Familial hypercholesterolemia. Also called: Familial hypercholesterolemias; Familial hypercholesterolaemia. Identifiers: MedGen C0020445, MONDO:0005439.
Familial hypobetalipoproteinemia 1. Also called: Hypobetalipoproteinemia, normotriglyceridemic; Acanthocytosis with hypobetalipoproteinemia; APOB-Related Familial Hypobetalipoproteinemia. Identifiers: MedGen C4551990, MONDO:0014252, OMIM 615558.
Hypercholesterolemia, autosomal dominant, type B (FHCL2). Also called: Hyperlipoproteinemia Type IIb; APOLIPOPROTEIN B-100, FAMILIAL DEFECTIVE; APOLIPOPROTEIN B-100, FAMILIAL LIGAND-DEFECTIVE; Familial hypercholesterolemia 2; APOB-Related Familial Hypercholesterolemia, Autosomal Dominant; Familial Hypercholesterolemia Type B. Identifiers: MedGen C1704417, MONDO:0007751, OMIM 144010.

Allele frequency attached by ClinVar (database versions not stated): TOPMed below 0.00001; gnomAD 0.00001 and 0.00005; gnomAD exomes 0.00005 and 0.00010; ExAC 0.00009.
gnomAD v4.1: 75 of 1,614,014 alleles (0.0046%); highest among the groups gnomAD compares: South Asian, 0.078%; no homozygotes.

Submissions (6):

GENinCode PLC
Classification: Likely benign for Familial hypercholesterolemia. Last evaluated: 2025-10-02. Review status: criteria provided, single submitter. Criteria: ACMG Guidelines, 2015. Collection method: clinical testing. Allele origin: germline.
Comment: This is a synonymous (silent) variant that is not predicted to impact splicing and occurs at a nucleotide which is not highly conserved. This variant has been classified as Likely Benign (BP4, BP7).

Blueprint Genetics
Classification: Likely benign. Last evaluated: 2023-06-16. Review status: criteria provided, single submitter. Criteria: ACMG Guidelines, 2015. Collection method: clinical testing. Allele origin: germline.

Labcorp Genetics (formerly Invitae), Labcorp
Classification: Benign for Familial hypobetalipoproteinemia 1; Hypercholesterolemia, autosomal dominant, type B. Last evaluated: 2022-01-26. Review status: criteria provided, single submitter. Criteria: Invitae Variant Classification Sherloc (09022015). Collection method: clinical testing. Allele origin: germline.

Ambry Genetics
Classification: Likely benign for Cardiovascular phenotype. Last evaluated: 2020-06-29. Review status: criteria provided, single submitter. Criteria: Ambry Variant Classification Scheme 2023. Collection method: clinical testing. Allele origin: germline.

Color Diagnostics, LLC DBA Color Health
Classification: Likely benign for Familial hypercholesterolemia. Last evaluated: 2018-12-31. Review status: criteria provided, single submitter. Criteria: ACMG Guidelines, 2015. Collection method: clinical testing. Allele origin: germline.

GeneDx
Classification: Likely benign. Last evaluated: 2017-03-08. Review status: criteria provided, single submitter. Criteria: GeneDx Variant Classification (06012015). Collection method: clinical testing. Allele origin: germline. Affected: yes.
Comment: This variant is considered likely benign or benign based on one or more of the following criteria: it is a conservative change, it occurs at a poorly conserved position in the protein, it is predicted to be benign by multiple in silico algorithms, and/or has population frequency not consistent with disease.

NM_000384.3(APOB):c.168T>C (p.Tyr56=)

Genes: APOB (apolipoprotein B; minus strand), LOC106560211 (APOB 5' regulatory region; plus strand). Cytogenetic location: 2p24.1.
Variant type: single nucleotide variant.
Coding change: c.168T>C on transcript NM_000384.3 (MANE Select); coding-DNA position 168, T replaced by C.
Protein change: p.Tyr56=; no amino-acid change (tyrosine 56 retained).
Molecular consequence: synonymous variant.
Genome position (GRCh38, 1-based): chr2:21,042,430, A>G on the plus strand (T>C on the coding strand, the complement: APOB is on the minus strand). VCF-style: chr2-21042430-A-G. GRCh37 (hg19) VCF-style: chr2-21265302-A-G.
Identifiers: ClinVar variation 517778 (VCV000517778.15), dbSNP rs761116238, ClinGen allele CA054415.